The following is an entry in ClinVar:

ClinVar aggregate classification (germline): Uncertain significance (1 of 4 stars; one submission).

Conditions:
Hereditary cancer-predisposing syndrome. Also called: Neoplastic Syndromes, Hereditary; Tumor predisposition; Hereditary neoplastic syndrome; Hereditary Cancer Syndrome. Identifiers: Orphanet 140162, MedGen C0027672, MeSH D009386, MONDO:0015356.

Submission:

Ambry Genetics
Classification: Uncertain significance for Hereditary cancer-predisposing syndrome. Last evaluated: 2023-11-15. Review status: criteria provided, single submitter. Criteria: Ambry Variant Classification Scheme 2023. Collection method: clinical testing. Allele origin: germline.
Comment: The p.L1504F variant (also known as c.4512A>T), located in coding exon 13 of the BRCA1 gene, results from an A to T substitution at nucleotide position 4512. The leucine at codon 1504 is replaced by phenylalanine, an amino acid with highly similar properties. This amino acid position is poorly conserved in available vertebrate species. This nucleotide position is not well conserved in available vertebrate species. In silico splice site analysis predicts that this alteration will result in the creation or strengthening of a novel splice acceptor site; however, direct evidence is insufficient at this time (Ambry internal data). In addition, the in silico prediction for this alteration is inconclusive. Since supporting evidence is limited at this time, the clinical significance of this alteration remains unclear.

NM_007294.4(BRCA1):c.4512A>T (p.Leu1504Phe)

Gene: BRCA1 (BRCA1 DNA repair associated; minus strand). Cytogenetic location: 17q21.31.
Variant type: single nucleotide variant.
Coding change: c.4512A>T on transcript NM_007294.4 (MANE Select); coding-DNA position 4512, A replaced by T.
Protein change: p.Leu1504Phe; replaces leucine 1504 with phenylalanine.
Molecular consequence: missense variant. On other transcripts: intron variant (3).
Genome position (GRCh38, 1-based): chr17:43,074,494, T>A on the plus strand (A>T on the coding strand, the complement: BRCA1 is on the minus strand). VCF-style: chr17-43074494-T-A. GRCh37 (hg19) VCF-style: chr17-41226511-T-A.
Other names: c.4509A>T, p.Leu1503Phe (NM_001407626.1, NM_001407858.1, NM_001407859.1 and 17 more transcripts); c.4506A>T, p.Leu1502Phe (NM_001407627.1, NM_001407628.1, NM_001407629.1 and 14 more transcripts); c.4503A>T, p.Leu1501Phe (NM_001407644.1, NM_001407645.1); c.4500A>T, p.Leu1500Phe (NM_001407646.1); c.4497A>T, p.Leu1499Phe (NM_001407647.1); c.4455A>T, p.Leu1485Phe (NM_001407648.1); c.4452A>T, p.Leu1484Phe (NM_001407649.1); c.4512A>T, p.Leu1504Phe (NM_001407652.1, NM_001407684.1, NM_001407854.1 and 8 more transcripts); and 71 more; short protein forms L1207F, L1208F, L1335F, L1375F, L1376F, L1377F, L1391F, L1392F.
Identifiers: ClinVar variation 3226158 (VCV003226158.1), dbSNP rs1555582056, ClinGen allele CA10592504.